The following is an entry in ClinVar:

NM_001271.4(CHD2):c.4228G>A (p.Asp1410Asn)

Gene: CHD2 (chromodomain helicase DNA binding protein 2; plus strand). Cytogenetic location: 15q26.1.
Variant type: single nucleotide variant.
Coding change: c.4228G>A on transcript NM_001271.4 (MANE Select); coding-DNA position 4228, G replaced by A.
Protein change: p.Asp1410Asn; replaces aspartic acid 1410 with asparagine.
Molecular consequence: missense variant.
Genome position (GRCh38, 1-based): chr15:93,002,267, G>A. VCF-style: chr15-93002267-G-A. GRCh37 (hg19) VCF-style: chr15-93545497-G-A.
Other names: short protein forms D1410N.
Identifiers: ClinVar variation 1006013 (VCV001006013.9), dbSNP rs775901148, ClinGen allele CA393901199.

ClinVar aggregate classification (germline): Uncertain significance (1 of 4 stars; one submission).

Conditions:
Developmental and epileptic encephalopathy 94 (DEE94). Also called: CHD2-Related Neurodevelopmental Disorders; Epileptic encephalopathy, childhood-onset. Identifiers: Orphanet 1942, Orphanet 2382, MedGen C3809278, MONDO:0014150, OMIM 615369.

gnomAD v4.1: 1 of 1,601,876 alleles (0.000062%); highest among the groups gnomAD compares: Non-Finnish European, 0.000085%; no homozygotes.

Submission:

Labcorp Genetics (formerly Invitae), Labcorp
Classification: Uncertain significance for Developmental and epileptic encephalopathy 94. Last evaluated: 2021-08-19. Review status: criteria provided, single submitter. Criteria: Invitae Variant Classification Sherloc (09022015). Collection method: clinical testing. Allele origin: germline.
Comment: Algorithms developed to predict the effect of missense changes on protein structure and function are either unavailable or do not agree on the potential impact of this missense change (SIFT: "Deleterious"; PolyPhen-2: "Benign"; Align-GVGD: "Class C0"). In summary, the available evidence is currently insufficient to determine the role of this variant in disease. Therefore, it has been classified as a Variant of Uncertain Significance. This variant has not been reported in the literature in individuals with CHD2-related conditions. This variant is not present in population databases (ExAC no frequency). This sequence change replaces aspartic acid with asparagine at codon 1410 of the CHD2 protein (p.Asp1410Asn). The aspartic acid residue is moderately conserved and there is a small physicochemical difference between aspartic acid and asparagine.